The following is an entry in ClinVar:

NM_002734.5(PRKAR1A):c.1088C>T (p.Ser363Leu)

Gene: PRKAR1A (protein kinase cAMP-dependent type I regulatory subunit alpha; plus strand). Cytogenetic location: 17q24.2.
Variant type: single nucleotide variant.
Coding change: c.1088C>T on transcript NM_002734.5 (MANE Select); coding-DNA position 1088, C replaced by T.
Protein change: p.Ser363Leu; replaces serine 363 with leucine.
Molecular consequence: missense variant. On other transcripts: intron variant (1).
Genome position (GRCh38, 1-based): chr17:68,530,391, C>T. VCF-style: chr17-68530391-C-T. GRCh37 (hg19) VCF-style: chr17-66526532-C-T.
Other names: c.1088C>T, p.Ser363Leu (NM_001276289.2, NM_001278433.2, NM_001369389.1 and 3 more transcripts); c.973+390C>T (NM_001276290.1); c.1088C>T (NM_002734.3); short protein forms S363L.
Identifiers: ClinVar variation 536891 (VCV000536891.9), dbSNP rs1555815165, ClinGen allele CA400754821.

ClinVar aggregate classification (germline): Uncertain significance. Review status: criteria provided, multiple submitters, no conflicts (2 of 4 stars). 2 submissions from 2 submitters: Uncertain significance (2). Last evaluated 2025-11-25.

Conditions:
Carney complex, type 1 (CNC1). Also called: CARNEY MYXOMA-ENDOCRINE COMPLEX; CARNEY COMPLEX, TYPE I. Identifiers: Orphanet 1359, MedGen C2607929, MONDO:0008057, OMIM 160980.
Hereditary cancer-predisposing syndrome. Also called: Tumor predisposition; Hereditary Cancer Syndrome; Hereditary neoplastic syndrome; Neoplastic Syndromes, Hereditary. Identifiers: Orphanet 140162, MedGen C0027672, MeSH D009386, MONDO:0015356.

Submissions (2):

Ambry Genetics
Classification: Uncertain significance for Hereditary cancer-predisposing syndrome. Last evaluated: 2025-11-25. Review status: criteria provided, single submitter. Criteria: Ambry Variant Classification Scheme 2023. Collection method: clinical testing. Allele origin: germline.
Comment: The p.S363L variant (also known as c.1088C>T), located in coding exon 10 of the PRKAR1A gene, results from a C to T substitution at nucleotide position 1088. The serine at codon 363 is replaced by leucine, an amino acid with dissimilar properties. This amino acid position is conserved. In addition, this alteration is predicted to be deleterious by in silico analysis. Based on the available evidence, the clinical significance of this variant remains unclear.

Labcorp Genetics (formerly Invitae), Labcorp
Classification: Uncertain significance for Carney complex, type 1. Last evaluated: 2017-12-22. Review status: criteria provided, single submitter. Criteria: Invitae Variant Classification Sherloc (09022015). Collection method: clinical testing. Allele origin: germline.
Comment: In summary, the available evidence is currently insufficient to determine the role of this variant in disease. Therefore, it has been classified as a Variant of Uncertain Significance. Algorithms developed to predict the effect of missense changes on protein structure and function (SIFT, PolyPhen-2, Align-GVGD) all suggest that this variant is likely to be tolerated, but these predictions have not been confirmed by published functional studies and their clinical significance is uncertain. This variant has not been reported in the literature in individuals with PRKAR1A-related disease. This variant is not present in population databases (ExAC no frequency). This sequence change replaces serine with leucine at codon 363 of the PRKAR1A protein (p.Ser363Leu). The serine residue is moderately conserved and there is a large physicochemical difference between serine and leucine.